The following is an entry in ClinVar:

NM_004304.5(ALK):c.3984G>A (p.Met1328Ile)

Gene: ALK (ALK receptor tyrosine kinase; minus strand). Cytogenetic location: 2p23.2.
Variant type: single nucleotide variant.
Coding change: c.3984G>A on transcript NM_004304.5 (MANE Select); coding-DNA position 3984, G replaced by A.
Protein change: p.Met1328Ile; replaces methionine 1328 with isoleucine.
Molecular consequence: missense variant.
Genome position (GRCh38, 1-based): chr2:29,197,631, C>T on the plus strand (G>A on the coding strand, the complement: ALK is on the minus strand). VCF-style: chr2-29197631-C-T. GRCh37 (hg19) VCF-style: chr2-29420497-C-T.
Other names: c.780G>A, p.Met260Ile (NM_001353765.2); short protein forms M1328I, M260I.
Identifiers: ClinVar variation 239831 (VCV000239831.13), dbSNP rs540427775, ClinGen allele CA10581961.
Genomic context (GRCh38, chr2:29,197,631, plus strand): 5'-CATCCGGCCTCCACTGGTGACAAACTCCAGAACTTCCTGGTTGCTTTTGCTGGGGTATGG[C>T]ATATATCCAAGAGAAAAGATTTCCCATAGCAGCACTCCAAAGGACCTGGGCATGGGACAG-3'
Protein context (NP_004295.2, residues 1318-1338): LLWEIFSLGY[Met1328Ile]PYPSKSNQEV

ClinVar aggregate classification (germline): Uncertain significance. Review status: criteria provided, multiple submitters, no conflicts (2 of 4 stars). 2 submissions from 2 submitters: Uncertain significance (2). Last evaluated 2025-05-09.

Conditions:
Hereditary cancer-predisposing syndrome. Also called: Neoplastic Syndromes, Hereditary; Tumor predisposition; Hereditary neoplastic syndrome; Hereditary Cancer Syndrome. Identifiers: Orphanet 140162, MedGen C0027672, MeSH D009386, MONDO:0015356.
Neuroblastoma, susceptibility to, 3. Also called: ALK-Related Neuroblastic Tumor Susceptibility. Identifiers: Orphanet 635, MedGen C2751681, MONDO:0013083, OMIM 613014.

Allele frequency attached by ClinVar (database versions not stated): gnomAD exomes below 0.00001; gnomAD 0.00001; 1000 Genomes Project 30x 0.00016; 1000 Genomes Project 0.00020.

Submissions (2):

Labcorp Genetics (formerly Invitae), Labcorp
Classification: Uncertain significance for Neuroblastoma, susceptibility to, 3. Last evaluated: 2025-05-09. Review status: criteria provided, single submitter. Criteria: Invitae Variant Classification Sherloc (09022015). Collection method: clinical testing. Allele origin: germline.
Comment: This sequence change replaces methionine, which is neutral and non-polar, with isoleucine, which is neutral and non-polar, at codon 1328 of the ALK protein (p.Met1328Ile). This variant is not present in population databases (gnomAD no frequency). This variant has not been reported in the literature in individuals affected with ALK-related conditions. ClinVar contains an entry for this variant (Variation ID: 239831). An algorithm developed to predict the effect of missense changes on protein structure and function (PolyPhen-2) suggests that this variant is likely to be tolerated. In summary, the available evidence is currently insufficient to determine the role of this variant in disease. Therefore, it has been classified as a Variant of Uncertain Significance.

Ambry Genetics
Classification: Uncertain significance for Hereditary cancer-predisposing syndrome. Last evaluated: 2024-09-08. Review status: criteria provided, single submitter. Criteria: Ambry Variant Classification Scheme 2023. Collection method: clinical testing. Allele origin: germline.
Comment: The p.M1328I variant (also known as c.3984G>A), located in coding exon 27 of the ALK gene, results from a G to A substitution at nucleotide position 3984. The methionine at codon 1328 is replaced by isoleucine, an amino acid with highly similar properties. This amino acid position is highly conserved in available vertebrate species. In addition, the in silico prediction for this alteration is inconclusive. Since supporting evidence is limited at this time, the clinical significance of this alteration remains unclear.